The following is an entry in ClinVar:

ClinVar aggregate classification (germline): Uncertain significance. Review status: criteria provided, multiple submitters, no conflicts (2 of 4 stars). 3 submissions from 3 submitters: Uncertain significance (3). Last evaluated 2025-02-16.

Conditions:
Inborn genetic diseases. Identifiers: MedGen C0950123, MeSH D030342.

Allele frequency attached by ClinVar (database versions not stated): gnomAD exomes below 0.00001 and 0.00002; gnomAD 0.00001; TOPMed 0.00002.
gnomAD v4.1: 36 of 1,611,346 alleles (0.0022%); highest among the groups gnomAD compares: Admixed American, 0.005%; no homozygotes.

Submissions (3):

Labcorp Genetics (formerly Invitae), Labcorp
Classification: Uncertain significance. Last evaluated: 2025-02-16. Review status: criteria provided, single submitter. Criteria: Invitae Variant Classification Sherloc (09022015). Collection method: clinical testing. Allele origin: germline.
Comment: This sequence change replaces serine, which is neutral and polar, with phenylalanine, which is neutral and non-polar, at codon 10 of the MAP3K7 protein (p.Ser10Phe). This variant is not present in population databases (gnomAD no frequency). This variant has not been reported in the literature in individuals affected with MAP3K7-related conditions. ClinVar contains an entry for this variant (Variation ID: 1496450). Experimental studies and prediction algorithms are not available or were not evaluated, and the functional significance of this variant is currently unknown. In summary, the available evidence is currently insufficient to determine the role of this variant in disease. Therefore, it has been classified as a Variant of Uncertain Significance.

Ambry Genetics
Classification: Uncertain significance for Inborn genetic diseases. Last evaluated: 2021-09-17. Review status: criteria provided, single submitter. Criteria: Ambry Variant Classification Scheme 2023. Collection method: clinical testing. Allele origin: germline.

Breakthrough Genomics
Classification: Uncertain significance. Review status: criteria provided, single submitter. Criteria: ACMG Guidelines, 2015. Collection method: not provided. Allele origin: germline. Inheritance: Autosomal dominant inheritance. Affected: yes.

NM_145331.3(MAP3K7):c.29C>T (p.Ser10Phe)

Gene: MAP3K7 (mitogen-activated protein kinase kinase kinase 7; minus strand). Cytogenetic location: 6q15.
Variant type: single nucleotide variant.
Coding change: c.29C>T on transcript NM_145331.3 (MANE Select); coding-DNA position 29, C replaced by T.
Protein change: p.Ser10Phe; replaces serine 10 with phenylalanine.
Molecular consequence: missense variant.
Genome position (GRCh38, 1-based): chr6:90,586,855, G>A on the plus strand (C>T on the coding strand, the complement: MAP3K7 is on the minus strand). VCF-style: chr6-90586855-G-A. GRCh37 (hg19) VCF-style: chr6-91296574-G-A.
Other names: c.29C>T (NM_145331.1); c.29C>T, p.Ser10Phe (NM_003188.4, NM_145332.3, NM_145333.3); short protein forms S10F.
Identifiers: ClinVar variation 1496450 (VCV001496450.10), dbSNP rs1435177696, ClinGen allele CA365021063.